The following is an entry in ClinVar:

NM_013382.7(POMT2):c.101C>T (p.Ala34Val)

Gene: POMT2 (protein O-mannosyltransferase 2; minus strand). Cytogenetic location: 14q24.3.
Variant type: single nucleotide variant.
Coding change: c.101C>T on transcript NM_013382.7 (MANE Select); coding-DNA position 101, C replaced by T.
Protein change: p.Ala34Val; replaces alanine 34 with valine.
Molecular consequence: missense variant.
Genome position (GRCh38, 1-based): chr14:77,320,581, G>A on the plus strand (C>T on the coding strand, the complement: POMT2 is on the minus strand). VCF-style: chr14-77320581-G-A. GRCh37 (hg19) VCF-style: chr14-77786924-G-A.
Other names: short protein forms A34V.
Identifiers: ClinVar variation 1380967 (VCV001380967.7), dbSNP rs768585252, ClinGen allele CA7286276.

ClinVar aggregate classification (germline): Uncertain significance (1 of 4 stars; one submission).

Conditions:
Muscular dystrophy-dystroglycanopathy (congenital with brain and eye anomalies), type A2. Also called: MUSCULAR DYSTROPHY-DYSTROGLYCANOPATHY (CONGENITAL WITH BRAIN AND EYE ANOMALIES), TYPE A, 2; WALKER-WARBURG SYNDROME OR MUSCLE-EYE-BRAIN DISEASE, POMT2-RELATED. Identifiers: Orphanet 588, Orphanet 899, MedGen C3150411, MONDO:0013154, OMIM 613150.
Autosomal recessive limb-girdle muscular dystrophy type 2N. Also called: MUSCULAR DYSTROPHY-DYSTROGLYCANOPATHY, LIMB-GIRDLE, POMT2-RELATED; Muscular dystrophy-dystroglycanopathy (limb-girdle), type C, 2. Identifiers: Orphanet 206559, MedGen C3150418, MONDO:0013162, OMIM 613158.
Muscular dystrophy-dystroglycanopathy (congenital with impaired intellectual development), type B, 2. Also called: MUSCULAR DYSTROPHY, CONGENITAL, POMT2-RELATED; Muscular dystrophy-dystroglycanopathy (congenital with intellectual disability), type B2. Identifiers: MedGen C3150416, MONDO:0013160, OMIM 613156.

Allele frequency attached by ClinVar (database versions not stated): gnomAD 0.00001; gnomAD exomes 0.00001; ExAC 0.00003.
gnomAD v4.1: 15 of 1,576,580 alleles (0.00095%); highest among the groups gnomAD compares: South Asian, 0.0057%; no homozygotes.

Submission:

Labcorp Genetics (formerly Invitae), Labcorp
Classification: Uncertain significance for Muscular dystrophy-dystroglycanopathy (congenital with impaired intellectual development), type B, 2; Muscular dystrophy-dystroglycanopathy (congenital with brain and eye anomalies), type A2; Autosomal recessive limb-girdle muscular dystrophy type 2N. Last evaluated: 2024-10-16. Review status: criteria provided, single submitter. Criteria: Invitae Variant Classification Sherloc (09022015). Collection method: clinical testing. Allele origin: germline.
Comment: This sequence change replaces alanine, which is neutral and non-polar, with valine, which is neutral and non-polar, at codon 34 of the POMT2 protein (p.Ala34Val). The frequency data for this variant in the population databases is considered unreliable, as metrics indicate poor data quality at this position in the gnomAD database. This variant has not been reported in the literature in individuals affected with POMT2-related conditions. ClinVar contains an entry for this variant (Variation ID: 1380967). An algorithm developed to predict the effect of missense changes on protein structure and function outputs the following: PolyPhen-2: "Benign". The valine amino acid residue is found in multiple mammalian species, which suggests that this missense change does not adversely affect protein function. In summary, the available evidence is currently insufficient to determine the role of this variant in disease. Therefore, it has been classified as a Variant of Uncertain Significance.